The following is an entry in ClinVar:

ClinVar aggregate classification (germline): Uncertain significance. Review status: criteria provided, multiple submitters, no conflicts (2 of 4 stars). 2 submissions from 2 submitters: Uncertain significance (2). Last evaluated 2026-02-01.

Conditions:
Inborn genetic diseases. Identifiers: MedGen C0950123, MeSH D030342.

Submissions (2):

Labcorp Genetics (formerly Invitae), Labcorp
Classification: Uncertain significance. Last evaluated: 2026-02-01. Review status: criteria provided, single submitter. Criteria: Invitae Variant Classification Sherloc (09022015). Collection method: clinical testing. Allele origin: germline.
Comment: This sequence change replaces aspartic acid, which is acidic and polar, with asparagine, which is neutral and polar, at codon 56 of the FBLN5 protein (p.Asp56Asn). This variant is not present in population databases (gnomAD no frequency). This variant has not been reported in the literature in individuals affected with FBLN5-related conditions. ClinVar contains an entry for this variant (Variation ID: 2791478). An algorithm developed to predict the effect of missense changes on protein structure and function (PolyPhen-2) suggests that this variant is likely to be disruptive. In summary, the available evidence is currently insufficient to determine the role of this variant in disease. Therefore, it has been classified as a Variant of Uncertain Significance.

Ambry Genetics
Classification: Uncertain significance for Inborn genetic diseases. Last evaluated: 2025-06-06. Review status: criteria provided, single submitter. Criteria: Ambry Variant Classification Scheme 2023. Collection method: clinical testing. Allele origin: germline.

NM_006329.4(FBLN5):c.166G>A (p.Asp56Asn)

Gene: FBLN5 (fibulin 5; minus strand). Cytogenetic location: 14q32.12.
Variant type: single nucleotide variant.
Coding change: c.166G>A on transcript NM_006329.4 (MANE Select); coding-DNA position 166, G replaced by A.
Protein change: p.Asp56Asn; replaces aspartic acid 56 with asparagine.
Molecular consequence: missense variant. On other transcripts: 5 prime UTR variant (2).
Genome position (GRCh38, 1-based): chr14:91,937,160, C>T on the plus strand (G>A on the coding strand, the complement: FBLN5 is on the minus strand). VCF-style: chr14-91937160-C-T. GRCh37 (hg19) VCF-style: chr14-92403504-C-T.
Other names: c.217G>A, p.Asp73Asn (NM_001384159.1); c.166G>A, p.Asp56Asn (NM_001384160.1); c.-3G>A (NM_001384161.1, NM_001384162.1); c.289G>A, p.Asp97Asn (NM_001384158.1); short protein forms D73N, D56N, D97N.
Identifiers: ClinVar variation 2791478 (VCV002791478.4), dbSNP rs2542901333, ClinGen allele CA390640046.